The following is an entry in ClinVar:

ClinVar aggregate classification (germline): Conflicting classifications of pathogenicity. Review status: criteria provided, conflicting classifications (1 of 4 stars). 2 submissions from 2 submitters: Uncertain significance (1); Likely benign (1). Last evaluated 2022-08-31.

Allele frequency attached by ClinVar (database versions not stated): ExAC 0.00007; gnomAD exomes 0.00007; gnomAD 0.00008 and 0.00009; TOPMed 0.00009; ESP Exome Variant Server 0.00015.

Submissions (2):

Labcorp Genetics (formerly Invitae), Labcorp
Classification: Uncertain significance. Last evaluated: 2022-08-31. Review status: criteria provided, single submitter. Criteria: Invitae Variant Classification Sherloc (09022015). Collection method: clinical testing. Allele origin: germline.
Comment: This variant is present in population databases (rs201081450, gnomAD 0.01%). This sequence change replaces arginine, which is basic and polar, with glutamine, which is neutral and polar, at codon 43 of the PDP1 protein (p.Arg43Gln). This variant has not been reported in the literature in individuals affected with PDP1-related conditions. In summary, the available evidence is currently insufficient to determine the role of this variant in disease. Therefore, it has been classified as a Variant of Uncertain Significance. Algorithms developed to predict the effect of missense changes on protein structure and function (SIFT, PolyPhen-2, Align-GVGD) all suggest that this variant is likely to be tolerated. ClinVar contains an entry for this variant (Variation ID: 214969).

GeneDx
Classification: Likely benign. Last evaluated: 2014-03-14. Review status: criteria provided, single submitter. Criteria: GeneDx Variant Classification (06012015). Collection method: clinical testing. Allele origin: germline. Affected: yes.
Comment: The variant is found in MITONUC-MITOP panel(s).

NM_018444.4(PDP1):c.128G>A (p.Arg43Gln)

Gene: PDP1 (pyruvate dehydrogenase phosphatase catalytic subunit 1; plus strand). Cytogenetic location: 8q22.1.
Variant type: single nucleotide variant.
Coding change: c.128G>A on transcript NM_018444.4 (MANE Select); coding-DNA position 128, G replaced by A.
Protein change: p.Arg43Gln; replaces arginine 43 with glutamine.
Molecular consequence: missense variant.
Genome position (GRCh38, 1-based): chr8:93,922,187, G>A. VCF-style: chr8-93922187-G-A. GRCh37 (hg19) VCF-style: chr8-94934415-G-A.
Other names: p.R102Q:CGA>CAA; c.203G>A, p.Arg68Gln (NM_001161779.2, NM_001161780.2); c.128G>A, p.Arg43Gln (NM_001161781.2); short protein forms R43Q, R68Q.
Identifiers: ClinVar variation 214969 (VCV000214969.4), dbSNP rs201081450, ClinGen allele CA4808657.